The following is an entry in ClinVar:

NM_015030.2(FRYL):c.6815C>T (p.Ser2272Phe)

Gene: FRYL (FRY like transcription coactivator; minus strand). Cytogenetic location: 4p11.
Variant type: single nucleotide variant.
Coding change: c.6815C>T on transcript NM_015030.2 (MANE Select); coding-DNA position 6815, C replaced by T.
Protein change: p.Ser2272Phe; replaces serine 2272 with phenylalanine.
Molecular consequence: missense variant.
Genome position (GRCh38, 1-based): chr4:48,531,244, G>A on the plus strand (C>T on the coding strand, the complement: FRYL is on the minus strand). VCF-style: chr4-48531244-G-A. GRCh37 (hg19) VCF-style: chr4-48533261-G-A.
Other names: short protein forms S2272F.
Identifiers: ClinVar variation 4538309 (VCV004538309.1).

ClinVar aggregate classification (germline): Uncertain significance (1 of 4 stars; one submission).

Submission:

Greenwood Genetic Center Diagnostic Laboratories, Greenwood Genetic Center
Classification: Uncertain significance. Last evaluated: 2025-04-10. Review status: criteria provided, single submitter. Criteria: ACMG Guidelines, 2015. Collection method: clinical testing. Allele origin: germline. Affected: yes.
Comment: PM2, PP2, PP3